The following is an entry in ClinVar:

NM_030962.4(SBF2):c.2364-260A>G

Genes: SBF2 (SET binding factor 2; minus strand), LOC101928008 (uncharacterized LOC101928008; plus strand). Cytogenetic location: 11p15.4.
Variant type: single nucleotide variant.
Coding change: c.2364-260A>G on transcript NM_030962.4 (MANE Select); 260 bases into the intron before coding-DNA position 2364, A replaced by G.
Molecular consequence: intron variant.
Genome position (GRCh38, 1-based): chr11:9,853,972, T>C on the plus strand (A>G on the coding strand, the complement: SBF2 is on the minus strand). VCF-style: chr11-9853972-T-C. GRCh37 (hg19) VCF-style: chr11-9875519-T-C.
Other names: c.2235-260A>G (NM_001386342.1); c.2364-260A>G (NM_001386339.1).
Identifiers: ClinVar variation 684196 (VCV000684196.1), dbSNP rs360169, ClinGen allele CA217620847.

ClinVar aggregate classification (germline): Benign (1 of 4 stars; one submission).

Allele frequency attached by ClinVar (database versions not stated): 1000 Genomes Project 30x 0.37617; 1000 Genomes Project 0.37620; TOPMed 0.45443; gnomAD 0.47855 and 0.48100.
gnomAD v4.1: 72,666 of 151,954 alleles (48%); highest among the groups gnomAD compares: Non-Finnish European, 59%; 18,736 homozygotes.

Submission:

GeneDx
Classification: Benign. Last evaluated: 2018-06-19. Review status: criteria provided, single submitter. Criteria: GeneDx Variant Classification (06012015). Collection method: clinical testing. Allele origin: germline. Affected: yes.
Comment: This variant is considered likely benign or benign based on one or more of the following criteria: it is a conservative change, it occurs at a poorly conserved position in the protein, it is predicted to be benign by multiple in silico algorithms, and/or has population frequency not consistent with disease.